The following is an entry in ClinVar:

ClinVar aggregate classification (germline): Uncertain significance (1 of 4 stars; one submission).

Conditions:
Inborn genetic diseases. Identifiers: MedGen C0950123, MeSH D030342.

Allele frequency attached by ClinVar (database versions not stated): gnomAD 0.00001; ExAC 0.00002; TOPMed 0.00002; ESP Exome Variant Server 0.00008.
gnomAD v4.1: 3 of 1,585,274 alleles (0.00019%); highest among the groups gnomAD compares: African/African-American, 0.0041%; no homozygotes.

Submission:

Ambry Genetics
Classification: Uncertain significance for Inborn genetic diseases. Last evaluated: 2017-12-18. Review status: criteria provided, single submitter. Criteria: Ambry Variant Classification Scheme 2023. Collection method: clinical testing. Allele origin: germline.
Comment: The p.A78T variant (also known as c.232G>A), located in coding exon 1 of the HCN1 gene, results from a G to A substitution at nucleotide position 232. The alanine at codon 78 is replaced by threonine, an amino acid with similar properties. This amino acid position is not well conserved in available vertebrate species. In addition, this alteration is predicted to be tolerated by in silico analysis. Since supporting evidence is limited at this time, the clinical significance of this alteration remains unclear.

NM_021072.4(HCN1):c.232G>A (p.Ala78Thr)

Gene: HCN1 (hyperpolarization activated cyclic nucleotide gated potassium channel 1; minus strand). Cytogenetic location: 5p12.
Variant type: single nucleotide variant.
Coding change: c.232G>A on transcript NM_021072.4 (MANE Select); coding-DNA position 232, G replaced by A.
Protein change: p.Ala78Thr; replaces alanine 78 with threonine.
Molecular consequence: missense variant.
Genome position (GRCh38, 1-based): chr5:45,695,862, C>T on the plus strand (G>A on the coding strand, the complement: HCN1 is on the minus strand). VCF-style: chr5-45695862-C-T. GRCh37 (hg19) VCF-style: chr5-45695964-C-T.
Other names: short protein forms A78T.
Identifiers: ClinVar variation 1789702 (VCV001789702.2), dbSNP rs376072704, ClinGen allele CA3259494.
Genomic context (GRCh38, chr5:45,695,862, plus strand): 5'-ACTGCCTCTGCATGAAGCCGTACTGCCGCCGGGGCCCCTCGGCGTCTTCGAAGCCCCCCG[C>T]CGGCTCCTCGCCGCCGCCGCCGCCGCCGCCACCGCCGCCACCGCCGTCCACCTTGAAGCA-3'
Protein context (NP_066550.2, residues 68-88): GGGGGGGEEP[Ala78Thr]GGFEDAEGPR